The following is an entry in ClinVar:

NM_001846.4(COL4A2):c.4514_4515inv (p.Pro1505Leu)

Genes: COL4A2 (collagen type IV alpha 2 chain; plus strand), COL4A2-AS1 (COL4A2 antisense RNA 1; minus strand). Cytogenetic location: 13q34.
Variant type: Inversion.
Coding change: c.4514_4515inv on transcript NM_001846.4 (MANE Select).
Protein change: p.Pro1505Leu; replaces proline 1505 with leucine.
Molecular consequence: missense variant.
Genome position: GRCh38 VCF-style: chr13-110506526-CA-TG. GRCh37 (hg19) VCF-style: chr13-111158873-CA-TG.
Other names: short protein forms P1505L.
Identifiers: ClinVar variation 1513875 (VCV001513875.5), ClinGen allele CA2573149458.

ClinVar aggregate classification (germline): Uncertain significance (1 of 4 stars; one submission).

Submission:

Labcorp Genetics (formerly Invitae), Labcorp
Classification: Uncertain significance. Last evaluated: 2025-09-28. Review status: criteria provided, single submitter. Criteria: Invitae Variant Classification Sherloc (09022015). Collection method: clinical testing. Allele origin: germline.
Comment: This sequence change replaces proline, which is neutral and non-polar, with leucine, which is neutral and non-polar, at codon 1505 of the COL4A2 protein (p.Pro1505Leu). The frequency data for this variant in the population databases is considered unreliable, as metrics indicate poor data quality at this position in the gnomAD database. This missense change has been observed in individual(s) with clinical features of COL4A2-related conditions (PMID: 36380532, 36580209). ClinVar contains an entry for this variant (Variation ID: 1513875). Experimental studies and prediction algorithms are not available or were not evaluated, and the functional significance of this variant is currently unknown. In summary, the available evidence is currently insufficient to determine the role of this variant in disease. Therefore, it has been classified as a Variant of Uncertain Significance.

Literature cited by the submitters: PubMed 36380532; PubMed 36580209.